The following is an entry in ClinVar:

ClinVar aggregate classification (germline): Uncertain significance (1 of 4 stars; one submission).

Conditions:
Developmental and epileptic encephalopathy, 30 (DEE30). Also called: Epileptic encephalopathy, early infantile, 30. Identifiers: MedGen C4225360, MONDO:0014595, OMIM 616341.

Submission:

Labcorp Genetics (formerly Invitae), Labcorp
Classification: Uncertain significance for Developmental and epileptic encephalopathy, 30. Last evaluated: 2022-03-20. Review status: criteria provided, single submitter. Criteria: Invitae Variant Classification Sherloc (09022015). Collection method: clinical testing. Allele origin: germline.
Comment: This sequence change replaces alanine, which is neutral and non-polar, with valine, which is neutral and non-polar, at codon 561 of the SIK1 protein (p.Ala561Val). In summary, the available evidence is currently insufficient to determine the role of this variant in disease. Therefore, it has been classified as a Variant of Uncertain Significance. Advanced modeling of protein sequence and biophysical properties (such as structural, functional, and spatial information, amino acid conservation, physicochemical variation, residue mobility, and thermodynamic stability) performed at Invitae indicates that this missense variant is not expected to disrupt SIK1 protein function. This variant has not been reported in the literature in individuals affected with SIK1-related conditions. This variant is not present in population databases (gnomAD no frequency).

NM_173354.5(SIK1):c.1682C>T (p.Ala561Val)

Gene: SIK1 (salt inducible kinase 1; minus strand). Cytogenetic location: 21q22.3.
Variant type: single nucleotide variant.
Coding change: c.1682C>T on transcript NM_173354.5 (MANE Select); coding-DNA position 1682, C replaced by T.
Protein change: p.Ala561Val; replaces alanine 561 with valine.
Molecular consequence: missense variant.
Genome position (GRCh38, 1-based): chr21:43,418,322, G>A on the plus strand (C>T on the coding strand, the complement: SIK1 is on the minus strand). VCF-style: chr21-43418322-G-A. GRCh37 (hg19) VCF-style: chr21-44838202-G-A.
Other names: short protein forms A561V.
Identifiers: ClinVar variation 1496226 (VCV001496226.8), dbSNP rs1275515594, ClinGen allele CA410607523.